The following is an entry in ClinVar:

ClinVar aggregate classification (germline): Uncertain significance (1 of 4 stars; one submission).

Conditions:
Karyomegalic interstitial nephritis. Identifiers: Orphanet 401996, MedGen C3553774, MONDO:0013898, OMIM 614817.

gnomAD v4.1: 4 of 1,570,538 alleles (0.00025%); highest among the groups gnomAD compares: South Asian, 0.0012%; no homozygotes.

Submission:

Juno Genomics, Hangzhou Juno Genomics, Inc
Classification: Uncertain significance for Karyomegalic interstitial nephritis. Review status: criteria provided, single submitter. Criteria: ACMG Guidelines, 2015. Collection method: clinical testing. Allele origin: germline.
Comment: Absent from controls (or at extremely low frequency if recessive) in Genome Aggregation Database.;Multiple lines of computational evidence support a deleterious effect on the gene or gene product.

NM_014967.5(FAN1):c.2788-23A>G

Genes: FAN1 (FANCD2 and FANCI associated nuclease 1; plus strand), MTMR10 (myotubularin related protein 10; minus strand). Cytogenetic location: 15q13.3.
Variant type: single nucleotide variant.
Coding change: c.2788-23A>G on transcript NM_014967.5 (MANE Select); 23 bases into the intron before coding-DNA position 2788, A replaced by G.
Molecular consequence: intron variant.
Genome position (GRCh38, 1-based): chr15:30,930,520, A>G. VCF-style: chr15-30930520-A-G. GRCh37 (hg19) VCF-style: chr15-31222723-A-G.
Identifiers: ClinVar variation 5005384 (VCV005005384.2).